The following is an entry in ClinVar:

NM_006030.4(CACNA2D2):c.1585G>A (p.Val529Met)

Gene: CACNA2D2 (calcium voltage-gated channel auxiliary subunit alpha2delta 2; minus strand). Cytogenetic location: 3p21.31.
Variant type: single nucleotide variant.
Coding change: c.1585G>A on transcript NM_006030.4 (MANE Select); coding-DNA position 1585, G replaced by A.
Protein change: p.Val529Met; replaces valine 529 with methionine.
Molecular consequence: missense variant.
Genome position (GRCh38, 1-based): chr3:50,377,508, C>T on the plus strand (G>A on the coding strand, the complement: CACNA2D2 is on the minus strand). VCF-style: chr3-50377508-C-T. GRCh37 (hg19) VCF-style: chr3-50414939-C-T.
Other names: c.1585G>A, p.Val529Met (NM_001005505.3, NM_001174051.3); c.1378G>A, p.Val460Met (NM_001291101.1); short protein forms V460M, V529M.
Identifiers: ClinVar variation 839714 (VCV000839714.5), dbSNP rs777062780, ClinGen allele CA2418806.

ClinVar aggregate classification (germline): Uncertain significance (1 of 4 stars; one submission).

Conditions:
Developmental and epileptic encephalopathy. Identifiers: MedGen C5779964, MONDO:0100620.

Allele frequency attached by ClinVar (database versions not stated): ExAC 0.00001; gnomAD exomes 0.00001; gnomAD 0.00002; TOPMed 0.00002.

Submission:

Labcorp Genetics (formerly Invitae), Labcorp
Classification: Uncertain significance for Early-infantile DEE. Last evaluated: 2022-07-25. Review status: criteria provided, single submitter. Criteria: Invitae Variant Classification Sherloc (09022015). Collection method: clinical testing. Allele origin: germline.
Comment: This sequence change replaces valine, which is neutral and non-polar, with methionine, which is neutral and non-polar, at codon 529 of the CACNA2D2 protein (p.Val529Met). The frequency data for this variant in the population databases is considered unreliable, as metrics indicate poor data quality at this position in the gnomAD database. This variant has not been reported in the literature in individuals affected with CACNA2D2-related conditions. ClinVar contains an entry for this variant (Variation ID: 839714). Algorithms developed to predict the effect of missense changes on protein structure and function are either unavailable or do not agree on the potential impact of this missense change (SIFT: "Deleterious"; PolyPhen-2: "Probably Damaging"; Align-GVGD: "Class C0"). In summary, the available evidence is currently insufficient to determine the role of this variant in disease. Therefore, it has been classified as a Variant of Uncertain Significance.